The following is an entry in ClinVar:

NM_139319.3(SLC17A8):c.1262T>C (p.Val421Ala)

Gene: SLC17A8 (solute carrier family 17 member 8; plus strand). Cytogenetic location: 12q23.1.
Variant type: single nucleotide variant.
Coding change: c.1262T>C on transcript NM_139319.3 (MANE Select); coding-DNA position 1262, T replaced by C.
Protein change: p.Val421Ala; replaces valine 421 with alanine.
Molecular consequence: missense variant.
Genome position (GRCh38, 1-based): chr12:100,412,845, T>C. VCF-style: chr12-100412845-T-C. GRCh37 (hg19) VCF-style: chr12-100806623-T-C.
Other names: c.1112T>C, p.Val371Ala (NM_001145288.2); short protein forms V371A, V421A.
Identifiers: ClinVar variation 1706090 (VCV001706090.2), dbSNP rs1364626801, ClinGen allele CA386219800.

ClinVar aggregate classification (germline): Uncertain significance (1 of 4 stars; one submission).

Allele frequency attached by ClinVar (database versions not stated): gnomAD 0.00001; gnomAD exomes 0.00002.
gnomAD v4.1: 12 of 1,614,042 alleles (0.00074%); highest among the groups gnomAD compares: South Asian, 0.013%; no homozygotes.

Submission:

GeneDx
Classification: Uncertain significance. Last evaluated: 2022-03-14. Review status: criteria provided, single submitter. Criteria: GeneDx Variant Classification Process June 2021. Collection method: clinical testing. Allele origin: germline. Affected: yes.
Comment: Not observed at significant frequency in large population cohorts (gnomAD); In silico analysis supports that this missense variant has a deleterious effect on protein structure/function; Has not been previously published as pathogenic or benign to our knowledge